The following is an entry in ClinVar:

ClinVar aggregate classification (germline): Uncertain significance (1 of 4 stars; one submission).

Conditions:
Charcot-Marie-Tooth disease axonal type 2O. Also called: CHARCOT-MARIE-TOOTH NEUROPATHY, AXONAL, TYPE 2O; CHARCOT-MARIE-TOOTH DISEASE, AXONAL, AUTOSOMAL DOMINANT, TYPE 2O; Charcot-Marie-Tooth Neuropathy Type 2O; Charcot-Marie-Tooth disease, axonal, type 20. Identifiers: Orphanet 284232, MedGen C3280220, MONDO:0013644, OMIM 614228.

Submission:

Labcorp Genetics (formerly Invitae), Labcorp
Classification: Uncertain significance for Charcot-Marie-Tooth disease axonal type 2O. Last evaluated: 2021-07-16. Review status: criteria provided, single submitter. Criteria: Invitae Variant Classification Sherloc (09022015). Collection method: clinical testing. Allele origin: germline.
Comment: This sequence change replaces alanine with threonine at codon 1065 of the DYNC1H1 protein (p.Ala1065Thr). The alanine residue is highly conserved and there is a small physicochemical difference between alanine and threonine. This variant is not present in population databases (ExAC no frequency). This variant has not been reported in the literature in individuals affected with DYNC1H1-related conditions. Advanced modeling of protein sequence and biophysical properties (such as structural, functional, and spatial information, amino acid conservation, physicochemical variation, residue mobility, and thermodynamic stability) performed at Invitae indicates that this missense variant is not expected to disrupt DYNC1H1 protein function. In summary, the available evidence is currently insufficient to determine the role of this variant in disease. Therefore, it has been classified as a Variant of Uncertain Significance.

NM_001376.5(DYNC1H1):c.3193G>A (p.Ala1065Thr)

Gene: DYNC1H1 (dynein cytoplasmic 1 heavy chain 1; plus strand). Cytogenetic location: 14q32.31.
Variant type: single nucleotide variant.
Coding change: c.3193G>A on transcript NM_001376.5 (MANE Select); coding-DNA position 3193, G replaced by A.
Protein change: p.Ala1065Thr; replaces alanine 1065 with threonine.
Molecular consequence: missense variant.
Genome position (GRCh38, 1-based): chr14:101,994,709, G>A. VCF-style: chr14-101994709-G-A. GRCh37 (hg19) VCF-style: chr14-102461046-G-A.
Other names: short protein forms A1065T.
Identifiers: ClinVar variation 1505117 (VCV001505117.8), dbSNP rs2141280767, ClinGen allele CA391032870.
Genomic context (GRCh38, chr14:101,994,709, plus strand): 5'-TTTAACTGTGTTCTTCATTTGCAGGTTTGGCTTCAGTATCAGTGTTTATGGGATATGCAA[G>A]CTGAAAACATCTATAACAGACTTGGAGAAGATCTCAACAAATGGCAGGCTCTCCTGGTCC-3'
Protein context (NP_001367.2, residues 1055-1075): LQYQCLWDMQ[Ala1065Thr]ENIYNRLGED